The following is an entry in ClinVar:

NM_000288.4(PEX7):c.538C>A (p.Leu180Met)

Gene: PEX7 (peroxisomal biogenesis factor 7; plus strand). Cytogenetic location: 6q23.3.
Variant type: single nucleotide variant.
Coding change: c.538C>A on transcript NM_000288.4 (MANE Select); coding-DNA position 538, C replaced by A.
Protein change: p.Leu180Met; replaces leucine 180 with methionine.
Molecular consequence: missense variant.
Genome position (GRCh38, 1-based): chr6:136,866,638, C>A. VCF-style: chr6-136866638-C-A. GRCh37 (hg19) VCF-style: chr6-137187776-C-A.
Other names: c.424C>A, p.Leu142Met (NM_001410945.1); short protein forms L180M, L142M.
Identifiers: ClinVar variation 2447781 (VCV002447781.2), dbSNP rs1213263217, ClinGen allele CA365762814.

ClinVar aggregate classification (germline): Uncertain significance (1 of 4 stars; one submission).

Conditions:
Inborn genetic diseases. Identifiers: MedGen C0950123, MeSH D030342.

Submission:

Ambry Genetics
Classification: Uncertain significance for Inborn genetic diseases. Last evaluated: 2022-11-07. Review status: criteria provided, single submitter. Criteria: Ambry Variant Classification Scheme 2023. Collection method: clinical testing. Allele origin: germline.
Comment: The p.L180M variant (also known as c.538C>A), located in coding exon 6 of the PEX7 gene, results from a C to A substitution at nucleotide position 538. The leucine at codon 180 is replaced by methionine, an amino acid with highly similar properties. This amino acid position is conserved. In addition, the in silico prediction for this alteration is inconclusive. Since supporting evidence is limited at this time, the clinical significance of this alteration remains unclear.